The following is an entry in ClinVar:

NM_003718.5(CDK13):c.1401_1418dup (p.Ala476_Thr477insAlaLysAlaAlaGluAla)

Gene: CDK13 (cyclin dependent kinase 13; plus strand). Cytogenetic location: 7p14.1.
Variant type: Duplication.
Coding change: c.1401_1418dup on transcript NM_003718.5 (MANE Select); coding-DNA positions 1401 to 1418, 18 bases duplicated (CGCAGAAGCAGCGAAAGC).
Protein change: p.Ala476_Thr477insAlaLysAlaAlaGluAla.
Molecular consequence: inframe indel (on NM_031267.4).
Genome position (GRCh38, 1-based): chr7:39,987,788-39,987,805, CGCAGAAGCAGCGAAAGC duplicated; duplicating any 18 consecutive bases within chr7:39,987,785-39,987,805 gives the same sequence; the c. name uses the placement nearest the transcript's 3' end. VCF-style (leftmost placement, unchanged base first): chr7-39987784-G-GAGCCGCAGAAGCAGCGAA. GRCh37 (hg19) VCF-style: chr7-40027383-G-GAGCCGCAGAAGCAGCGAA.
Other names: c.1401_1418dup, p.Ala476_Thr477insAlaLysAlaAlaGluAla (NM_031267.4).
Identifiers: ClinVar variation 1325613 (VCV001325613.1), dbSNP rs749812196, ClinGen allele CA4228484.
Genomic context (GRCh38, chr7:39,987,784, plus strand): 5'-AGAGTAGCCTGGCAGCTGAATTGAACAAGAATAAAAAAGCACGAGCAGCAGAGGCAGCAA[G>GAGCCGCAGAAGCAGCGAA]AGCCGCAGAAGCAGCGAAAGCTGCAGAAGCAACTAAGGCTGCTGAGGCTGCTGCCAAGGC-3'

ClinVar aggregate classification (germline): Uncertain significance (1 of 4 stars; one submission).

Conditions:
Congenital heart defects, dysmorphic facial features, and intellectual developmental disorder (CHDFIDD). Identifiers: Orphanet 646278, MedGen C4479246, MONDO:0044302, OMIM 617360.

Submission:

New York Genome Center
Classification: Uncertain significance for Congenital heart defects, dysmorphic facial features, and intellectual developmental disorder. Last evaluated: 2020-04-25. Review status: criteria provided, single submitter. Criteria: NYGC Assertion Criteria 2020. Collection method: clinical testing. Allele origin: germline. Observed: 1 heterozygote. Study: CSER-NYCKidSeq.
Comment: The heterozygous p.Ala471_Ala476dup variant identified CDK13 is predicted to result in an in-frame duplication of six amino acids without disrupting the wild type translational reading frame. The variant has 0.00002835 allele frequency in the gnomAD database (8 out of 282,182 heterozygous alleles, rs749812196) indicating it’s a rare allele in the general population. This variant is absent from ClinVar and to our current knowledge has not been reported in affected individuals in the literature. Currently all pathogenic or likely pathogenic variants in CDK13 have been identified in the protein kinase domain (amino acids 697-998) of the protein, and variants outside of this domain are classified as Variants of Uncertain Significance in ClinVar. Given the lack of compelling evidence for its pathogenicity, the p.Ala471_Ala476dup variant in CDK13 is assessed as a Variant of Uncertain Significance.